The following is an entry in ClinVar:

NM_052867.4(NALCN):c.3625C>A (p.His1209Asn)

Gene: NALCN (sodium leak channel, non-selective; minus strand). Cytogenetic location: 13q32.3.
Variant type: single nucleotide variant.
Coding change: c.3625C>A on transcript NM_052867.4 (MANE Select); coding-DNA position 3625, C replaced by A.
Protein change: p.His1209Asn; replaces histidine 1209 with asparagine.
Molecular consequence: missense variant.
Genome position (GRCh38, 1-based): chr13:101,083,157, G>T on the plus strand (C>A on the coding strand, the complement: NALCN is on the minus strand). VCF-style: chr13-101083157-G-T. GRCh37 (hg19) VCF-style: chr13-101735508-G-T.
Other names: c.3712C>A, p.His1238Asn (NM_001350748.2); c.3625C>A, p.His1209Asn (NM_001350749.2); c.3538C>A, p.His1180Asn (NM_001350750.2, NM_001350751.2); short protein forms H1180N, H1209N, H1238N.
Identifiers: ClinVar variation 2778467 (VCV002778467.3), dbSNP rs2501991244, ClinGen allele CA388651479.

ClinVar aggregate classification (germline): Uncertain significance (1 of 4 stars; one submission).

gnomAD v4.1: 1 of 1,614,130 alleles (0.000062%); no homozygotes.

Submission:

Labcorp Genetics (formerly Invitae), Labcorp
Classification: Uncertain significance. Last evaluated: 2024-01-21. Review status: criteria provided, single submitter. Criteria: Invitae Variant Classification Sherloc (09022015). Collection method: clinical testing. Allele origin: germline.
Comment: This sequence change replaces histidine, which is basic and polar, with asparagine, which is neutral and polar, at codon 1209 of the NALCN protein (p.His1209Asn). This variant is not present in population databases (gnomAD no frequency). This variant has not been reported in the literature in individuals affected with NALCN-related conditions. Advanced modeling of protein sequence and biophysical properties (such as structural, functional, and spatial information, amino acid conservation, physicochemical variation, residue mobility, and thermodynamic stability) performed at Invitae indicates that this missense variant is not expected to disrupt NALCN protein function with a negative predictive value of 80%. In summary, the available evidence is currently insufficient to determine the role of this variant in disease. Therefore, it has been classified as a Variant of Uncertain Significance.